The following is an entry in ClinVar:

NM_006662.3(SRCAP):c.341G>A (p.Arg114Gln)

Gene: SRCAP (Snf2 related CREBBP activator protein; plus strand). Cytogenetic location: 16p11.2.
Variant type: single nucleotide variant.
Coding change: c.341G>A on transcript NM_006662.3 (MANE Select); coding-DNA position 341, G replaced by A.
Protein change: p.Arg114Gln; replaces arginine 114 with glutamine.
Molecular consequence: missense variant.
Genome position (GRCh38, 1-based): chr16:30,707,217, G>A. VCF-style: chr16-30707217-G-A. GRCh37 (hg19) VCF-style: chr16-30718538-G-A.
Other names: short protein forms R114Q.
Identifiers: ClinVar variation 3907977 (VCV003907977.1).

ClinVar aggregate classification (germline): Uncertain significance (1 of 4 stars; one submission).

gnomAD v4.1: 2 of 1,614,036 alleles (0.00012%); highest among the groups gnomAD compares: Non-Finnish European, 0.00017%; no homozygotes.

Submission:

GeneDx
Classification: Uncertain significance. Last evaluated: 2024-12-28. Review status: criteria provided, single submitter. Criteria: GeneDx Variant Classification Process June 2021. Collection method: clinical testing. Allele origin: germline. Affected: yes.
Comment: Not observed at significant frequency in large population cohorts (gnomAD); In silico analysis indicates that this missense variant does not alter protein structure/function; Has not been previously published as pathogenic or benign to our knowledge